The following is an entry in ClinVar:

NM_001370100.5(ZMYND11):c.692A>G (p.Tyr231Cys)

Gene: ZMYND11 (zinc finger MYND-type containing 11; plus strand). Cytogenetic location: 10p15.3.
Variant type: single nucleotide variant.
Coding change: c.692A>G on transcript NM_001370100.5 (MANE Select); coding-DNA position 692, A replaced by G.
Protein change: p.Tyr231Cys; replaces tyrosine 231 with cysteine.
Molecular consequence: missense variant. On other transcripts: non-coding transcript variant (1), intron variant (2).
Genome position (GRCh38, 1-based): chr10:239,520, A>G. VCF-style: chr10-239520-A-G. GRCh37 (hg19) VCF-style: chr10-285460-A-G.
Other names: c.692A>G, p.Tyr231Cys (NM_001370101.2, NM_001370102.2, NM_001161482.1 and 9 more transcripts); c.530A>G, p.Tyr177Cys (NM_001370103.2, NM_001370104.2, NM_001370105.2 and 8 more transcripts); c.437A>G, p.Tyr146Cys (NM_001202465.3, NM_001370110.2); c.641A>G, p.Tyr214Cys (NM_001330057.3, NM_001370112.2); c.599A>G, p.Tyr200Cys (NM_001370113.2, NM_001370114.2); c.626A>G, p.Tyr209Cys (NM_001370116.2); c.572A>G, p.Tyr191Cys (NM_001370118.2); c.464A>G, p.Tyr155Cys (NM_001370120.2); and 4 more; short protein forms Y209C, Y231C, Y177C, Y200C, Y214C, Y74C, Y137C, Y155C.
Identifiers: ClinVar variation 2136264 (VCV002136264.6), dbSNP rs2539834004, ClinGen allele CA375845440.
Genomic context (GRCh38, chr10:239,520, plus strand): 5'-GAAGTTATGAAGAGTTCAAAGCTGATGCCCAATTGCTTCTCCACAATACCGTGATTTTCT[A>G]TGGAGGTTGAATATTTTTGTTTTTTTTGTATGCATTTTTAAACACACCATTTACATTCCA-3'
Protein context (NP_001357029.1, residues 221-241): QLLLHNTVIF[Tyr231Cys]GADSEQADIA

ClinVar aggregate classification (germline): Conflicting classifications of pathogenicity. Review status: criteria provided, conflicting classifications (1 of 4 stars). 3 submissions from 3 submitters: Likely pathogenic (1); Uncertain significance (2). Last evaluated 2025-10-07.

Conditions:
Intellectual developmental disorder, autosomal dominant 30, with speech delay and behavioral abnormalities. Also called: Intellectual disability, autosomal dominant 30. Identifiers: Orphanet 436151, MedGen C4015167, MONDO:0014486, OMIM 616083.

Submissions (3):

3billion
Classification: Uncertain significance for Intellectual developmental disorder, autosomal dominant 30, with speech delay and behavioral abnormalities. Last evaluated: 2025-10-07. Review status: criteria provided, single submitter. Criteria: ACMG Guidelines, 2015. Collection method: clinical testing. Allele origin: germline. Affected: yes.
Comment: The variant is not observed in the gnomAD v4.1.0 dataset. Predicted Consequence/Location: Missense variant In silico tool predictions suggest damaging effect of the variant on gene or gene product [3Cnet: 0.95 (> 0.75, sensitivity 0.96 and precision 0.92)]. The variant has been reported as of uncertain significance (ClinVar ID: VCV002136264). Therefore, this variant is classified as VUS according to the recommendation of ACMG/AMP guideline.

GeneDx
Classification: Likely pathogenic. Last evaluated: 2025-05-13. Review status: criteria provided, single submitter. Criteria: GeneDx Variant Classification Process June 2021. Collection method: clinical testing. Allele origin: germline. Affected: yes.
Comment: Not observed at significant frequency in large population cohorts (gnomAD); In silico analysis supports that this missense variant has a deleterious effect on protein structure/function; Has not been previously published as pathogenic or benign to our knowledge

Labcorp Genetics (formerly Invitae), Labcorp
Classification: Uncertain significance. Last evaluated: 2025-02-02. Review status: criteria provided, single submitter. Criteria: Invitae Variant Classification Sherloc (09022015). Collection method: clinical testing. Allele origin: germline.
Comment: This sequence change replaces tyrosine, which is neutral and polar, with cysteine, which is neutral and slightly polar, at codon 231 of the ZMYND11 protein (p.Tyr231Cys). This variant is not present in population databases (gnomAD no frequency). This variant has not been reported in the literature in individuals affected with ZMYND11-related conditions. ClinVar contains an entry for this variant (Variation ID: 2136264). Invitae Evidence Modeling of protein sequence and biophysical properties (such as structural, functional, and spatial information, amino acid conservation, physicochemical variation, residue mobility, and thermodynamic stability) indicates that this missense variant is not expected to disrupt ZMYND11 protein function with a negative predictive value of 80%. In summary, the available evidence is currently insufficient to determine the role of this variant in disease. Therefore, it has been classified as a Variant of Uncertain Significance.